The following is an entry in ClinVar:

NM_004415.4(DSP):c.2543T>C (p.Leu848Pro)

Gene: DSP (desmoplakin; plus strand). Cytogenetic location: 6p24.3.
Variant type: single nucleotide variant.
Coding change: c.2543T>C on transcript NM_004415.4 (MANE Select); coding-DNA position 2543, T replaced by C.
Protein change: p.Leu848Pro; replaces leucine 848 with proline.
Molecular consequence: missense variant.
Genome position (GRCh38, 1-based): chr6:7,575,401, T>C. VCF-style: chr6-7575401-T-C. GRCh37 (hg19) VCF-style: chr6-7575634-T-C.
Other names: c.2543T>C, p.Leu848Pro (NM_001008844.3, NM_001319034.2); short protein forms L848P.
Identifiers: ClinVar variation 1982072 (VCV001982072.6), dbSNP rs778056465, ClinGen allele CA033839.

ClinVar aggregate classification (germline): Conflicting classifications of pathogenicity. Review status: criteria provided, conflicting classifications (1 of 4 stars). 3 submissions from 3 submitters: Uncertain significance (2); Likely benign (1). Last evaluated 2025-08-18.

Conditions:
Cardiovascular phenotype. Identifiers: MedGen CN230736.
Arrhythmogenic cardiomyopathy with wooly hair and keratoderma. Also called: PALMOPLANTAR KERATODERMA WITH LEFT VENTRICULAR CARDIOMYOPATHY AND WOOLLY HAIR; Carvajal syndrome; Arrhythmogenic cardiomyopathy with woolly hair and keratoderma; Dilated cardiomyopathy with woolly hair and keratoderma. Identifiers: Orphanet 65282, MedGen C1854063, MONDO:0011581, OMIM 605676.
Arrhythmogenic right ventricular dysplasia 8 (ARVD8). Also called: ARRHYTHMOGENIC RIGHT VENTRICULAR DYSPLASIA, FAMILIAL, 8; ARRHYTHMOGENIC RIGHT VENTRICULAR CARDIOMYOPATHY 8; Arrhythmogenic Right Ventricular Dysplasia/Cardiomyopathy 8. Identifiers: MedGen C1843896, MONDO:0011831, OMIM 607450.

Allele frequency attached by ClinVar (database versions not stated): ExAC 0.00001; gnomAD exomes 0.00001.
gnomAD v4.1: 3 of 1,614,202 alleles (0.00019%); highest among the groups gnomAD compares: Admixed American, 0.005%; no homozygotes.

Submissions (3):

Labcorp Genetics (formerly Invitae), Labcorp
Classification: Likely benign for Arrhythmogenic cardiomyopathy with wooly hair and keratoderma; Arrhythmogenic right ventricular dysplasia 8. Last evaluated: 2025-08-18. Review status: criteria provided, single submitter. Criteria: Invitae Variant Classification Sherloc (09022015). Collection method: clinical testing. Allele origin: germline.

Ambry Genetics
Classification: Uncertain significance for Cardiovascular phenotype. Last evaluated: 2024-10-24. Review status: criteria provided, single submitter. Criteria: Ambry Variant Classification Scheme 2023. Collection method: clinical testing. Allele origin: germline.
Comment: The p.L848P variant (also known as c.2543T>C), located in coding exon 18 of the DSP gene, results from a T to C substitution at nucleotide position 2543. The leucine at codon 848 is replaced by proline, an amino acid with similar properties. This amino acid position is conserved. In addition, this alteration is predicted to be tolerated by in silico analysis. Based on the available evidence, the clinical significance of this variant remains unclear.

All of Us Research Program, National Institutes of Health
Classification: Uncertain significance for Arrhythmogenic cardiomyopathy with wooly hair and keratoderma. Last evaluated: 2023-02-24. Review status: criteria provided, single submitter. Criteria: ACMG Guidelines, 2015. Collection method: clinical testing. Allele origin: germline. Inheritance: Autosomal dominant inheritance. Observed: 1 variant allele, 1 heterozygote.
Comment: This missense variant replaces leucine with proline at codon 848 of the DSP protein. Computational prediction suggests that this variant may not impact protein structure and function (internally defined REVEL score threshold <= 0.5, PMID: 27666373). To our knowledge, functional studies have not been reported for this variant. This variant has not been reported in individuals affected with DSP-related disorders in the literature. This variant has been identified in 1/251440 chromosomes in the general population by the Genome Aggregation Database (gnomAD). The available evidence is insufficient to determine the role of this variant in disease conclusively. Therefore, this variant is classified as a Variant of Uncertain Significance.

This study involves interpretation of variants in research participants for the purpose of population health screening. Participant phenotype was not available at the time of variant classification. Additional details can be found in publication PMID: 35346344, PMCID: PMC8962531